The following is an entry in ClinVar:

ClinVar aggregate classification (germline): Likely benign. Review status: criteria provided, single submitter (1 of 4 stars). 2 submissions from 1 submitter: Likely benign (2). Last evaluated 2018-01-12.

Conditions:
Ocular cystinosis. Also called: Non-Nephropathic (Ocular) Cystinosis; Non-Nephropathic Cystinosis. Identifiers: Orphanet 213, Orphanet 411641, MedGen C2931013, MONDO:0009064, OMIM 219750.
Nephropathic cystinosis (CTNS). Also called: CYSTINOSIN, DEFECT OF; LYSOSOMAL CYSTINE TRANSPORT PROTEIN, DEFECT OF; Abderhalden Lignac Kaufmann disease; Abderhalden-Kaufmann-Lignac syndrome. Identifiers: Orphanet 213, Orphanet 411629, MedGen C2931187, MONDO:0100151, OMIM 219800.

Allele frequency attached by ClinVar (database versions not stated): gnomAD 0.00436 and 0.00447; TOPMed 0.00468; 1000 Genomes Project 0.00499; 1000 Genomes Project 30x 0.00578.
gnomAD v4.1: 665 of 152,234 alleles (0.44%); highest among the groups gnomAD compares: Middle Eastern, 1.4%; 4 homozygotes.

Submissions (2):

Illumina Laboratory Services, Illumina
Classification: Likely benign for Nephropathic cystinosis. Last evaluated: 2018-01-12. Review status: criteria provided, single submitter. Criteria: ICSL Variant Classification Criteria 13 December 2019. Collection method: clinical testing. Allele origin: germline.
Comment: This variant was observed in the ICSL laboratory as part of a predisposition screen in an ostensibly healthy population. It had not been previously curated by ICSL or reported in the Human Gene Mutation Database (HGMD: prior to June 1st, 2018), and was therefore a candidate for classification through an automated scoring system. Utilizing variant allele frequency, disease prevalence and penetrance estimates, and inheritance mode, an automated score was calculated to assess if this variant is too frequent to cause the disease. Based on the score and internal cut-off values, a variant classified as likely benign is not then subjected to further curation. The score for this variant resulted in a classification of likely benign for this disease.

Illumina Laboratory Services, Illumina
Classification: Likely benign for Ocular cystinosis. Last evaluated: 2018-01-12. Review status: criteria provided, single submitter. Criteria: ICSL Variant Classification Criteria 13 December 2019. Collection method: clinical testing. Allele origin: germline.
Comment: the same text as in the submission from Illumina Laboratory Services, Illumina above.

NM_004937.3(CTNS):c.*2132G>A

Gene: CTNS (cystinosin, lysosomal cystine transporter; plus strand). Cytogenetic location: 17p13.2.
Variant type: single nucleotide variant.
Coding change: c.*2132G>A on transcript NM_004937.3 (MANE Select); 2132 bases downstream of the stop codon, G replaced by A.
Molecular consequence: 3 prime UTR variant.
Genome position (GRCh38, 1-based): chr17:3,662,501, G>A. VCF-style: chr17-3662501-G-A. GRCh37 (hg19) VCF-style: chr17-3565795-G-A.
Other names: c.*1767G>A (NM_001031681.3, NM_001374492.1); c.*2132G>A (NM_001374493.1, NM_001374494.1, NM_001374495.1 and 1 more transcripts).
Identifiers: ClinVar variation 322911 (VCV000322911.5), dbSNP rs74485511, ClinGen allele CA10645498.
Genomic context (GRCh38, chr17:3,662,501, plus strand): 5'-GGCCAGATCACGGCCCCCAGCAACACGTGGGGTTGTGTCCCTCGCTGGGATACACGGAGT[G>A]CCCTTATAGGCAGGGAGTCTTATAGGCAGGGGTCTCTCCCAGGCACCTCTGGGTGTCCCT-3'